The following is an entry in ClinVar:

ClinVar aggregate classification (germline): Pathogenic/Likely pathogenic. Review status: criteria provided, multiple submitters, no conflicts (2 of 4 stars). 5 submissions from 5 submitters: Pathogenic (1); Likely pathogenic (4). Last evaluated 2025-11-18.

Conditions:
Familial isolated arrhythmogenic right ventricular dysplasia. Identifiers: Orphanet 217656, MedGen C4274968, MONDO:0016342.
Arrhythmogenic right ventricular dysplasia 8 (ARVD8). Also called: ARRHYTHMOGENIC RIGHT VENTRICULAR CARDIOMYOPATHY 8; Arrhythmogenic Right Ventricular Dysplasia/Cardiomyopathy 8; ARRHYTHMOGENIC RIGHT VENTRICULAR DYSPLASIA, FAMILIAL, 8. Identifiers: MedGen C1843896, MONDO:0011831, OMIM 607450.
Arrhythmogenic cardiomyopathy with wooly hair and keratoderma. Also called: Carvajal syndrome; PALMOPLANTAR KERATODERMA WITH LEFT VENTRICULAR CARDIOMYOPATHY AND WOOLLY HAIR; Dilated cardiomyopathy with woolly hair and keratoderma; Arrhythmogenic cardiomyopathy with woolly hair and keratoderma. Identifiers: Orphanet 65282, MedGen C1854063, MONDO:0011581, OMIM 605676.
Lethal acantholytic epidermolysis bullosa (EBLA). Identifiers: Orphanet 158687, MedGen C1864826, MONDO:0012323, OMIM 609638.
Keratosis palmoplantaris striata 2. Also called: KERATODERMA, PALMOPLANTAR, STRIATE FORM II; STRIATE PALMOPLANTAR KERATODERMA II; Keratosis palmoplantaris striata II. Identifiers: MedGen C1852127, MONDO:0013034, OMIM 612908.
Woolly hair-skin fragility syndrome (WHSF). Identifiers: Orphanet 293165, MedGen C1843292, MONDO:0957307, OMIM 620415.
Cardiomyopathy, dilated, with wooly hair, keratoderma, and tooth agenesis. Also called: Cardiomyopathy, dilated, with woolly hair, keratoderma, and tooth agenesis; Erythrokeratodermia-cardiomyopathy syndrome. Identifiers: Orphanet 476096, Orphanet 65282, MedGen C4014393, MONDO:0014355, OMIM 615821.
Cardiomyopathy (CMYO). Also called: Cardiomyopathies. Identifiers: Orphanet 167848, MedGen C0878544, MONDO:0004994, HP:0001638. Inheritance: Various modes of inheritance.

Allele frequency attached by ClinVar (database versions not stated): gnomAD 0.00001.
gnomAD v4.1: 1 of 1,614,062 alleles (0.000062%); highest among the groups gnomAD compares: Non-Finnish European, 0.000085%; no homozygotes.

Submissions (5):

GeneDx
Classification: Likely pathogenic. Last evaluated: 2025-11-18. Review status: criteria provided, single submitter. Criteria: GeneDx Variant Classification Process June 2021. Collection method: clinical testing. Allele origin: germline. Affected: yes.
Comment: Reported in association with ARVC (PMID: 34352074); Not observed at significant frequency in large population cohorts (gnomAD); Nonsense variant predicted to result in protein truncation in a gene for which loss of function is a known mechanism of disease; This variant is associated with the following publications: (PMID: 34352074)

Color Diagnostics, LLC DBA Color Health
Classification: Likely pathogenic for Cardiomyopathy. Last evaluated: 2025-08-18. Review status: criteria provided, single submitter. Criteria: ACMG Guidelines, 2015. Collection method: clinical testing. Allele origin: germline.
Comment: This variant changes 1 nucleotide in exon 24 of the DSP gene, creating a premature translation stop signal in the last exon. This variant is expected to result in a non-functional protein product due to the loss of C-terminal plakin repeat domains B and C. This variant has been reported in individuals affected arrhythmogenic right ventricular cardiomyopathy (PMID: 34352074, 39288222). This variant has not been identified in the general population by the Genome Aggregation Database (gnomAD). Based on the available evidence, this variant is classified as Likely Pathogenic.

Labcorp Genetics (formerly Invitae), Labcorp
Classification: Pathogenic for Arrhythmogenic cardiomyopathy with wooly hair and keratoderma; Arrhythmogenic right ventricular dysplasia 8. Last evaluated: 2023-08-14. Review status: criteria provided, single submitter. Criteria: Invitae Variant Classification Sherloc (09022015). Collection method: clinical testing. Allele origin: germline.
Comment: This sequence change creates a premature translational stop signal (p.Lys2356*) in the DSP gene. While this is not anticipated to result in nonsense mediated decay, it is expected to disrupt the last 516 amino acid(s) of the DSP protein. This variant is not present in population databases (gnomAD no frequency). This premature translational stop signal has been observed in individual(s) with DSP-related conditions (PMID: 34352074). ClinVar contains an entry for this variant (Variation ID: 620416). This variant disrupts a region of the DSP protein in which other variant(s) (p.Glu2728Glyfs*11) have been determined to be pathogenic (Invitae). This suggests that this is a clinically significant region of the protein, and that variants that disrupt it are likely to be disease-causing. For these reasons, this variant has been classified as Pathogenic.

Women's Health and Genetics/Laboratory Corporation of America, LabCorp
Classification: Likely pathogenic for Familial isolated arrhythmogenic right ventricular dysplasia. Last evaluated: 2023-01-09. Review status: criteria provided, single submitter. Criteria: LabCorp Variant Classification Summary - May 2015. Collection method: clinical testing. Allele origin: germline.
Comment: Variant summary: DSP c.7066A>T (p.Lys2356X) results in a premature termination codon, predicted to cause a truncation of the encoded protein or absence of the protein due to nonsense mediated decay, which are commonly known mechanisms for disease. Truncations downstream of this position have been classified as pathogenic by our laboratory and observed in the HGMD database. The variant was absent in 251446 control chromosomes. c.7066A>T has been reported in the literature as a pathogenic variant in at-least one individual from the Johns Hopkins Arrhythmogenic Right Ventricular Dysplasia/Cardiomyopathy registry (example, Wang_2022). To our knowledge, no experimental evidence demonstrating an impact on protein function has been reported. Two clinical diagnostic laboratories have submitted clinical-significance assessments for this variant to ClinVar after 2014 without evidence for independent evaluation. All laboratories classified the variant as likely pathogenic. Based on the evidence outlined above, the variant was classified as likely pathogenic.

Fulgent Genetics
Classification: Likely pathogenic for Arrhythmogenic cardiomyopathy with wooly hair and keratoderma; Arrhythmogenic right ventricular dysplasia 8; Lethal acantholytic epidermolysis bullosa; Keratosis palmoplantaris striata 2; Cardiomyopathy, dilated, with wooly hair, keratoderma, and tooth agenesis. Last evaluated: 2021-11-11. Review status: criteria provided, single submitter. Criteria: ACMG Guidelines, 2015. Collection method: clinical testing. Allele origin: unknown.

Literature cited by the submitters: PubMed 34352074 (cited by 3 submitters); PubMed 39288222 (cited by Color Diagnostics, LLC DBA Color Health).

NM_004415.4(DSP):c.7066A>T (p.Lys2356Ter)

Gene: DSP (desmoplakin; plus strand). Cytogenetic location: 6p24.3.
Variant type: single nucleotide variant.
Coding change: c.7066A>T on transcript NM_004415.4 (MANE Select); coding-DNA position 7066, A replaced by T.
Protein change: p.Lys2356Ter; replaces lysine 2356 with a stop codon.
Molecular consequence: nonsense.
Genome position (GRCh38, 1-based): chr6:7,584,328, A>T. VCF-style: chr6-7584328-A-T. GRCh37 (hg19) VCF-style: chr6-7584561-A-T.
Other names: c.7066A>T (LRG_423t1, NM_004415.3); c.5269A>T, p.Lys1757Ter (NM_001008844.3); c.5737A>T, p.Lys1913Ter (NM_001319034.2); short protein forms K2356*, K1913*, K1757*.
Identifiers: ClinVar variation 620416 (VCV000620416.13), dbSNP rs1561703331, ClinGen allele CA362692159.